The following is an entry in ClinVar:

NM_001040142.2(SCN2A):c.980A>T (p.Tyr327Phe)

Gene: SCN2A (sodium voltage-gated channel alpha subunit 2; plus strand). Cytogenetic location: 2q24.3.
Variant type: single nucleotide variant.
Coding change: c.980A>T on transcript NM_001040142.2 (MANE Select); coding-DNA position 980, A replaced by T.
Protein change: p.Tyr327Phe; replaces tyrosine 327 with phenylalanine.
Molecular consequence: missense variant.
Genome position (GRCh38, 1-based): chr2:165,312,034, A>T. VCF-style: chr2-165312034-A-T. GRCh37 (hg19) VCF-style: chr2-166168544-A-T.
Other names: c.980A>T, p.Tyr327Phe (NM_001040143.2, NM_001371246.1, NM_001371247.1 and 1 more transcripts); short protein forms Y327F.
Identifiers: ClinVar variation 4076841 (VCV004076841.1).

ClinVar aggregate classification (germline): Uncertain significance (1 of 4 stars; one submission).

gnomAD v4.1: 2 of 1,611,252 alleles (0.00012%); highest among the groups gnomAD compares: Non-Finnish European, 0.00017%; no homozygotes.

Submission:

GeneDx
Classification: Uncertain significance. Last evaluated: 2025-02-21. Review status: criteria provided, single submitter. Criteria: GeneDx Variant Classification Process June 2021. Collection method: clinical testing. Allele origin: germline. Affected: yes.
Comment: Not observed at significant frequency in large population cohorts (gnomAD); In silico analysis supports that this missense variant has a deleterious effect on protein structure/function; Has not been previously published as pathogenic or benign to our knowledge; This substitution is predicted to be within the extracellular loop between the S5 and S6 transmembrane segments of the first homologous domain